The following is an entry in ClinVar:

ClinVar aggregate classification (germline): Uncertain significance. Review status: criteria provided, multiple submitters, no conflicts (2 of 4 stars). 2 submissions from 2 submitters: Uncertain significance (2). Last evaluated 2025-04-13.

Conditions:
Cardiofaciocutaneous syndrome 4 (CFC4). Also called: MAP2K2-Related Cardiofaciocutaneous Syndrome. Identifiers: Orphanet 1340, MedGen C3809007, MONDO:0014114, OMIM 615280.
RASopathy. Also called: rasopathies; Noonan spectrum disorder. Identifiers: Orphanet 536391, MedGen C5555857, MONDO:0021060.

Submissions (2):

Labcorp Genetics (formerly Invitae), Labcorp
Classification: Uncertain significance for RASopathy. Last evaluated: 2025-04-13. Review status: criteria provided, single submitter. Criteria: Invitae Variant Classification Sherloc (09022015). Collection method: clinical testing. Allele origin: germline.
Comment: This sequence change replaces proline, which is neutral and non-polar, with leucine, which is neutral and non-polar, at codon 197 of the MAP2K2 protein (p.Pro197Leu). This variant is not present in population databases (gnomAD no frequency). This variant has not been reported in the literature in individuals affected with MAP2K2-related conditions. ClinVar contains an entry for this variant (Variation ID: 3583903). Invitae Evidence Modeling of protein sequence and biophysical properties (such as structural, functional, and spatial information, amino acid conservation, physicochemical variation, residue mobility, and thermodynamic stability) indicates that this missense variant is expected to disrupt MAP2K2 protein function with a positive predictive value of 95%. In summary, the available evidence is currently insufficient to determine the role of this variant in disease. Therefore, it has been classified as a Variant of Uncertain Significance.

Fulgent Genetics
Classification: Uncertain significance for Cardiofaciocutaneous syndrome 4. Last evaluated: 2024-03-22. Review status: criteria provided, single submitter. Criteria: ACMG Guidelines, 2015. Collection method: clinical testing. Allele origin: germline.

NM_030662.4(MAP2K2):c.590C>T (p.Pro197Leu)

Gene: MAP2K2 (mitogen-activated protein kinase kinase 2; minus strand). Cytogenetic location: 19p13.3.
Variant type: single nucleotide variant.
Coding change: c.590C>T on transcript NM_030662.4 (MANE Select); coding-DNA position 590, C replaced by T.
Protein change: p.Pro197Leu; replaces proline 197 with leucine.
Molecular consequence: missense variant.
Genome position (GRCh38, 1-based): chr19:4,101,134, G>A on the plus strand (C>T on the coding strand, the complement: MAP2K2 is on the minus strand). VCF-style: chr19-4101134-G-A. GRCh37 (hg19) VCF-style: chr19-4101132-G-A.
Other names: short protein forms P197L.
Identifiers: ClinVar variation 3583903 (VCV003583903.3).